The following is an entry in ClinVar:

ClinVar aggregate classification (germline): Uncertain significance (1 of 4 stars; one submission).

Submission:

Labcorp Genetics (formerly Invitae), Labcorp
Classification: Uncertain significance. Last evaluated: 2024-04-16. Review status: criteria provided, single submitter. Criteria: Invitae Variant Classification Sherloc (09022015). Collection method: clinical testing. Allele origin: germline.
Comment: This sequence change replaces phenylalanine, which is neutral and non-polar, with tyrosine, which is neutral and polar, at codon 636 of the JAK1 protein (p.Phe636Tyr). The frequency data for this variant in the population databases is considered unreliable, as metrics indicate poor data quality at this position in the gnomAD database. This variant has not been reported in the literature in individuals affected with JAK1-related conditions. ClinVar contains an entry for this variant (Variation ID: 1964353). An algorithm developed to predict the effect of missense changes on protein structure and function (PolyPhen-2) suggests that this variant is likely to be disruptive. In summary, the available evidence is currently insufficient to determine the role of this variant in disease. Therefore, it has been classified as a Variant of Uncertain Significance.

NM_002227.4(JAK1):c.1907_1908delinsAT (p.Phe636Tyr)

Genes: JAK1 (Janus kinase 1; minus strand), LOC126805749 (BRD4-independent group 4 enhancer GRCh37_chr1:65312286-65313485; plus strand). Cytogenetic location: 1p31.3.
Variant type: Indel.
Coding change: c.1907_1908delinsAT on transcript NM_002227.4 (MANE Select); coding-DNA positions 1907 to 1908, TC replaced by AT.
Protein change: p.Phe636Tyr; replaces phenylalanine 636 with tyrosine.
Molecular consequence: missense variant.
Genome position (GRCh38, 1-based): chr1:64,846,728-64,846,729, GA replaced by AT on the plus strand (TC replaced by AT on the coding strand, the reverse complement: JAK1 is on the minus strand). VCF-style: chr1-64846728-GA-AT. GRCh37 (hg19) VCF-style: chr1-65312411-GA-AT.
Other names: c.1907_1908delinsAT, p.Phe636Tyr (NM_001320923.2, NM_001321852.2, NM_001321853.2 and 3 more transcripts); c.1904_1905delinsAT, p.Phe635Tyr (NM_001321857.2); short protein forms F635Y, F636Y.
Identifiers: ClinVar variation 1964353 (VCV001964353.5), dbSNP rs2524088819, ClinGen allele CA2580063159.
Genomic context (GRCh38, chr1:64,846,728, plus strand): 5'-GACGCCATAGAGGTACACGATGTGTTTGTGGGAGACCTGTCTCATCATGCTGGCTGCCTC[GA>AT]AGAAGGCCTGTGGGCGAGCAGGACATAGGAATGTCTCAGGCCAGCCTCCAGGGGGCTGCT-3'
Protein context (NP_002218.2, residues 626-646): PSHRDISLAF[Phe636Tyr]EAASMMRQVS